The following is an entry in ClinVar:

ClinVar aggregate classification (germline): Uncertain significance (1 of 4 stars; one submission).

Allele frequency attached by ClinVar (database versions not stated): gnomAD exomes 0.00002; 1000 Genomes Project 0.00020.

Submission:

Labcorp Genetics (formerly Invitae), Labcorp
Classification: Uncertain significance. Last evaluated: 2022-09-13. Review status: criteria provided, single submitter. Criteria: Invitae Variant Classification Sherloc (09022015). Collection method: clinical testing. Allele origin: germline.
Comment: This sequence change replaces serine, which is neutral and polar, with proline, which is neutral and non-polar, at codon 520 of the PCLO protein (p.Ser520Pro). The frequency data for this variant in the population databases is considered unreliable, as metrics indicate poor data quality at this position in the gnomAD database. This variant has not been reported in the literature in individuals affected with PCLO-related conditions. ClinVar contains an entry for this variant (Variation ID: 1517325). Algorithms developed to predict the effect of missense changes on protein structure and function output the following: SIFT: "Tolerated"; PolyPhen-2: "Benign"; Align-GVGD: "Class C0". The proline amino acid residue is found in multiple mammalian species, which suggests that this missense change does not adversely affect protein function. In summary, the available evidence is currently insufficient to determine the role of this variant in disease. Therefore, it has been classified as a Variant of Uncertain Significance.

NM_033026.6(PCLO):c.1558T>C (p.Ser520Pro)

Gene: PCLO (piccolo presynaptic cytomatrix protein; minus strand). Cytogenetic location: 7q21.11.
Variant type: single nucleotide variant.
Coding change: c.1558T>C on transcript NM_033026.6 (MANE Select); coding-DNA position 1558, T replaced by C.
Protein change: p.Ser520Pro; replaces serine 520 with proline.
Molecular consequence: missense variant.
Genome position (GRCh38, 1-based): chr7:83,155,083, A>G on the plus strand (T>C on the coding strand, the complement: PCLO is on the minus strand). VCF-style: chr7-83155083-A-G. GRCh37 (hg19) VCF-style: chr7-82784399-A-G.
Other names: c.1558T>C, p.Ser520Pro (NM_014510.3); short protein forms S520P.
Identifiers: ClinVar variation 1517325 (VCV001517325.5), dbSNP rs111553729, ClinGen allele CA161190851.